The following is an entry in ClinVar:

ClinVar aggregate classification (germline): Uncertain significance (1 of 4 stars; one submission).

Submission:

Labcorp Genetics (formerly Invitae), Labcorp
Classification: Uncertain significance. Last evaluated: 2024-11-14. Review status: criteria provided, single submitter. Criteria: Invitae Variant Classification Sherloc (09022015). Collection method: clinical testing. Allele origin: germline.
Comment: This sequence change replaces serine, which is neutral and polar, with leucine, which is neutral and non-polar, at codon 834 of the CSF2RB protein (p.Ser834Leu). This variant is present in population databases (rs200072852, gnomAD 0.07%), and has an allele count higher than expected for a pathogenic variant. This variant has not been reported in the literature in individuals affected with CSF2RB-related conditions. Invitae Evidence Modeling of protein sequence and biophysical properties (such as structural, functional, and spatial information, amino acid conservation, physicochemical variation, residue mobility, and thermodynamic stability) indicates that this missense variant is expected to disrupt CSF2RB protein function with a positive predictive value of 80%. In summary, the available evidence is currently insufficient to determine the role of this variant in disease. Therefore, it has been classified as a Variant of Uncertain Significance.

NM_000395.3(CSF2RB):c.2501C>T (p.Ser834Leu)

Gene: CSF2RB (colony stimulating factor 2 receptor subunit beta; plus strand). Cytogenetic location: 22q12.3.
Variant type: single nucleotide variant.
Coding change: c.2501C>T on transcript NM_000395.3 (MANE Select); coding-DNA position 2501, C replaced by T.
Protein change: p.Ser834Leu; replaces serine 834 with leucine.
Molecular consequence: missense variant.
Genome position (GRCh38, 1-based): chr22:36,938,309, C>T. VCF-style: chr22-36938309-C-T. GRCh37 (hg19) VCF-style: chr22-37334351-C-T.
Other names: c.2519C>T, p.Ser840Leu (NM_001410827.1); short protein forms S840L, S834L.
Identifiers: ClinVar variation 3678921 (VCV003678921.2).